The following is an entry in ClinVar:

NM_000548.5(TSC2):c.2880T>G (p.Ser960=)

Gene: TSC2 (TSC complex subunit 2; plus strand). Cytogenetic location: 16p13.3.
Variant type: single nucleotide variant.
Coding change: c.2880T>G on transcript NM_000548.5 (MANE Select); coding-DNA position 2880, T replaced by G.
Protein change: p.Ser960=; no amino-acid change (serine 960 retained).
Molecular consequence: synonymous variant. On other transcripts: intron variant (31).
Genome position (GRCh38, 1-based): chr16:2,077,640, T>G. VCF-style: chr16-2077640-T-G. GRCh37 (hg19) VCF-style: chr16-2127641-T-G.
Other names: c.2880T>G, p.Ser960= (NM_001114382.3, NM_001406663.1, NM_001406664.1); c.2769T>G, p.Ser923= (NM_001406670.1); c.2733T>G, p.Ser911= (NM_001406675.1, NM_001406676.1); c.2280T>G, p.Ser760= (NM_001406680.1, NM_001406682.1, NM_001406683.1 and 1 more transcripts); c.1536T>G, p.Ser512= (NM_001406689.1); c.1493+1055T>G (NM_001406693.1, NM_001406690.1, NM_001406692.1 and 5 more transcripts); c.2927+1055T>G (NM_001406667.1, NM_001406668.1); c.2237+1055T>G (NM_001406687.1, NM_001406685.1, NM_001318831.2 and 2 more transcripts); and 8 more.
Identifiers: ClinVar variation 2022419 (VCV002022419.4), dbSNP rs2543974499, ClinGen allele CA492954904.
Genomic context (GRCh38, chr16:2,077,640, plus strand): 5'-TCCTTCCTCACCCGATAGTCTGAGGATAGCCAGACCCCCCAAACAAGGCTTGAATAACTC[T>G]CCACCCGTGAAAGAATTCAAGGAGAGCTCTGCAGCCGAGGCCTTCCGGTGCCGCAGCATC-3'
Protein context (NP_000539.2, residues 950-970): ARPPKQGLNN[Ser960=]PPVKEFKESS

ClinVar aggregate classification (germline): Uncertain significance (1 of 4 stars; one submission).

Conditions:
Tuberous sclerosis 2 (TSC2). Identifiers: Orphanet 805, MedGen C1860707, MONDO:0013199, OMIM 613254.

Submission:

Labcorp Genetics (formerly Invitae), Labcorp
Classification: Uncertain significance for Tuberous sclerosis 2. Last evaluated: 2022-08-07. Review status: criteria provided, single submitter. Criteria: Invitae Variant Classification Sherloc (09022015). Collection method: clinical testing. Allele origin: germline.
Comment: This sequence change affects codon 960 of the TSC2 mRNA. It is a 'silent' change, meaning that it does not change the encoded amino acid sequence of the TSC2 protein. This variant is not present in population databases (gnomAD no frequency). This variant has not been reported in the literature in individuals affected with TSC2-related conditions. Algorithms developed to predict the effect of sequence changes on RNA splicing suggest that this variant may disrupt the consensus splice site. In summary, the available evidence is currently insufficient to determine the role of this variant in disease. Therefore, it has been classified as a Variant of Uncertain Significance.